The following is an entry in ClinVar:

ClinVar aggregate classification (germline): Benign/Likely benign. Review status: criteria provided, multiple submitters, no conflicts (2 of 4 stars). 6 submissions from 6 submitters: Benign (1); Likely benign (5). Last evaluated 2026-01-19.

Conditions:
Hereditary cancer-predisposing syndrome. Also called: Neoplastic Syndromes, Hereditary; Tumor predisposition; Hereditary neoplastic syndrome; Hereditary Cancer Syndrome. Identifiers: Orphanet 140162, MedGen C0027672, MeSH D009386, MONDO:0015356.
Multiple endocrine neoplasia, type 1 (MEN1). Also called: MEN I; WERMER SYNDROME; Endocrine adenomatosis multiple; MEN 1; MEA I. Identifiers: Orphanet 652, MedGen C0025267, MeSH D018761, MONDO:0007540, OMIM 131100.

Allele frequency attached by ClinVar (database versions not stated): gnomAD exomes below 0.00001 and 0.00002; gnomAD 0.00003; TOPMed 0.00003.
gnomAD v4.1: 35 of 1,613,368 alleles (0.0022%); highest among the groups gnomAD compares: Non-Finnish European, 0.0029%; no homozygotes.

Submissions (6):

Labcorp Genetics (formerly Invitae), Labcorp
Classification: Likely benign for Multiple endocrine neoplasia, type 1. Last evaluated: 2026-01-19. Review status: criteria provided, single submitter. Criteria: Invitae Variant Classification Sherloc (09022015). Collection method: clinical testing. Allele origin: germline.

Myriad Genetics, Inc.
Classification: Benign for Multiple endocrine neoplasia, type 1. Last evaluated: 2024-11-01. Review status: criteria provided, single submitter. Criteria: Myriad Autosomal Dominant, Autosomal Recessive and X-Linked Classification Criteria (2023). Collection method: clinical testing. Allele origin: unknown.
Comment: This variant is considered benign. This variant is a silent/synonymous amino acid change and it is not expected to impact splicing.

All of Us Research Program, National Institutes of Health
Classification: Likely benign for Multiple endocrine neoplasia, type 1. Last evaluated: 2023-12-13. Review status: criteria provided, single submitter. Criteria: ACMG Guidelines, 2015. Collection method: clinical testing. Allele origin: germline. Inheritance: Autosomal dominant inheritance. Observed: 7 variant alleles, 7 heterozygotes.
Comment: This study involves interpretation of variants in research participants for the purpose of population health screening. Participant phenotype was not available at the time of variant classification. Additional details can be found in publication PMID: 35346344, PMCID: PMC8962531

Sema4
Classification: Likely benign for Hereditary cancer-predisposing syndrome. Last evaluated: 2022-03-16. Review status: criteria provided, single submitter. Criteria: Sema4 Curation Guidelines. Collection method: curation. Allele origin: germline.

Color Diagnostics, LLC DBA Color Health
Classification: Likely benign for Multiple endocrine neoplasia, type 1. Last evaluated: 2022-02-02. Review status: criteria provided, single submitter. Criteria: ACMG Guidelines, 2015. Collection method: clinical testing. Allele origin: germline.

Ambry Genetics
Classification: Likely benign for Hereditary cancer-predisposing syndrome. Last evaluated: 2017-09-20. Review status: criteria provided, single submitter. Criteria: Ambry Variant Classification Scheme 2023. Collection method: clinical testing. Allele origin: germline.

NM_001370259.2(MEN1):c.471G>A (p.Val157=)

Gene: MEN1 (menin 1; minus strand). Cytogenetic location: 11q13.1.
Variant type: single nucleotide variant.
Coding change: c.471G>A on transcript NM_001370259.2 (MANE Select); coding-DNA position 471, G replaced by A.
Protein change: p.Val157=; no amino-acid change (valine 157 retained).
Molecular consequence: synonymous variant.
Genome position (GRCh38, 1-based): chr11:64,808,074, C>T on the plus strand (G>A on the coding strand, the complement: MEN1 is on the minus strand). VCF-style: chr11-64808074-C-T. GRCh37 (hg19) VCF-style: chr11-64575546-C-T.
Other names: c.471G>A, p.Val157= (NM_001370251.2, NM_001370260.2, NM_001370261.2 and 3 more transcripts); c.486G>A, p.Val162= (NM_130800.3, NM_130801.3, NM_130802.3 and 3 more transcripts).
Identifiers: ClinVar variation 241815 (VCV000241815.20), dbSNP rs878855194, ClinGen allele CA10582942.